The following is an entry in ClinVar:

NM_001161403.3(LIMS2):c.17T>C (p.Met6Thr)

Gene: LIMS2 (LIM zinc finger domain containing 2; minus strand). Cytogenetic location: 2q14.3.
Variant type: single nucleotide variant.
Coding change: c.17T>C on transcript NM_001161403.3 (MANE Select); coding-DNA position 17, T replaced by C.
Protein change: p.Met6Thr; replaces methionine 6 with threonine.
Molecular consequence: missense variant. On other transcripts: initiator codon variant (1).
Genome position (GRCh38, 1-based): chr2:127,657,557, A>G on the plus strand (T>C on the coding strand, the complement: LIMS2 is on the minus strand). VCF-style: chr2-127657557-A-G. GRCh37 (hg19) VCF-style: chr2-128415131-A-G.
Other names: c.83T>C, p.Met28Thr (NM_001136037.4); c.2T>C, p.Met1Thr (NM_001161404.2); c.89T>C, p.Met30Thr (NM_017980.5); short protein forms M1T, M30T, M28T, M6T.
Identifiers: ClinVar variation 1382739 (VCV001382739.9), dbSNP rs2105304195, ClinGen allele CA348413783.

ClinVar aggregate classification (germline): Uncertain significance (1 of 4 stars; one submission).

Conditions:
Autosomal recessive limb-girdle muscular dystrophy type 2W (MDRCMTT). Also called: Muscular dystrophy, limb-girdle, type 2W; Muscular dystrophy, autosomal recessive, with cardiomyopathy and triangular tongue. Identifiers: MedGen C4225192, MONDO:0014788, OMIM 616827.

Submission:

Labcorp Genetics (formerly Invitae), Labcorp
Classification: Uncertain significance for Autosomal recessive limb-girdle muscular dystrophy type 2W. Last evaluated: 2021-03-29. Review status: criteria provided, single submitter. Criteria: Invitae Variant Classification Sherloc (09022015). Collection method: clinical testing. Allele origin: germline.
Comment: Algorithms developed to predict the effect of missense changes on protein structure and function (SIFT, PolyPhen-2, Align-GVGD) all suggest that this variant is likely to be tolerated, but these predictions have not been confirmed by published functional studies and their clinical significance is uncertain. In summary, the available evidence is currently insufficient to determine the role of this variant in disease. Therefore, it has been classified as a Variant of Uncertain Significance. This variant has not been reported in the literature in individuals with LIMS2-related conditions. This variant is not present in population databases (ExAC no frequency). This sequence change replaces methionine with threonine at codon 28 of the LIMS2 protein (p.Met28Thr). The methionine residue is highly conserved and there is a moderate physicochemical difference between methionine and threonine.